The following is an entry in ClinVar:

ClinVar aggregate classification (germline): Uncertain significance. Review status: criteria provided, multiple submitters, no conflicts (2 of 4 stars). 3 submissions from 3 submitters: Uncertain significance (3). Last evaluated 2023-04-11.

Conditions:
Aicardi-Goutieres syndrome 6 (AGS6). Identifiers: Orphanet 51, MedGen C3539013, MONDO:0014007, OMIM 615010.
Symmetrical dyschromatosis of extremities (DSH). Also called: DYSCHROMATOSIS SYMMETRICA HEREDITARIA 1; RETICULATE ACROPIGMENTATION OF DOHI; SYMMETRIC DYSCHROMATOSIS OF THE EXTREMITIES; Dyschromatosis symmetrica hereditaria. Identifiers: Orphanet 41, MedGen C0406775, MONDO:0007483, OMIM 127400.

Allele frequency attached by ClinVar (database versions not stated): gnomAD exomes below 0.00001.
gnomAD v4.1: 1 of 1,613,220 alleles (0.000062%); highest among the groups gnomAD compares: Middle Eastern, 0.016%; no homozygotes.

Submissions (3):

Genome-Nilou Lab
Classification: Uncertain significance for Aicardi-Goutieres syndrome 6. Last evaluated: 2023-04-11. Review status: criteria provided, single submitter. Criteria: ACMG Guidelines, 2015. Collection method: clinical testing. Allele origin: germline. Affected: no.

Revvity Omics, Revvity
Classification: Uncertain significance. Last evaluated: 2022-05-31. Review status: criteria provided, single submitter. Criteria: ACMG Guidelines, 2015. Collection method: clinical testing. Allele origin: germline.

Labcorp Genetics (formerly Invitae), Labcorp
Classification: Uncertain significance for Aicardi-Goutieres syndrome 6; Symmetrical dyschromatosis of extremities. Last evaluated: 2022-04-07. Review status: criteria provided, single submitter. Criteria: Invitae Variant Classification Sherloc (09022015). Collection method: clinical testing. Allele origin: germline.
Comment: In summary, the available evidence is currently insufficient to determine the role of this variant in disease. Therefore, it has been classified as a Variant of Uncertain Significance. Algorithms developed to predict the effect of missense changes on protein structure and function (SIFT, PolyPhen-2, Align-GVGD) all suggest that this variant is likely to be tolerated. ClinVar contains an entry for this variant (Variation ID: 540264). This variant has not been reported in the literature in individuals affected with ADAR-related conditions. This variant is not present in population databases (gnomAD no frequency). This sequence change replaces asparagine, which is neutral and polar, with isoleucine, which is neutral and non-polar, at codon 368 of the ADAR protein (p.Asn368Ile).

NM_001111.5(ADAR):c.1103A>T (p.Asn368Ile)

Gene: ADAR (adenosine deaminase RNA specific; minus strand). Cytogenetic location: 1q21.3.
Variant type: single nucleotide variant.
Coding change: c.1103A>T on transcript NM_001111.5 (MANE Select); coding-DNA position 1103, A replaced by T.
Protein change: p.Asn368Ile; replaces asparagine 368 with isoleucine.
Molecular consequence: missense variant.
Genome position (GRCh38, 1-based): chr1:154,601,539, T>A on the plus strand (A>T on the coding strand, the complement: ADAR is on the minus strand). VCF-style: chr1-154601539-T-A. GRCh37 (hg19) VCF-style: chr1-154574015-T-A.
Other names: c.218A>T, p.Asn73Ile (NM_001025107.3, NM_001193495.2, NM_001365046.1 and 3 more transcripts); c.1130A>T, p.Asn377Ile (NM_001365045.1); c.1103A>T, p.Asn368Ile (NM_015840.4, NM_015841.4, LRG_1212t1); short protein forms N368I, N377I, N73I.
Identifiers: ClinVar variation 540264 (VCV000540264.12), dbSNP rs1553213121, ClinGen allele CA342598668.